The following is an entry in ClinVar:

ClinVar aggregate classification (germline): Uncertain significance (1 of 4 stars; one submission).

gnomAD v4.1: 1 of 1,611,218 alleles (0.000062%); highest among the groups gnomAD compares: South Asian, 0.0011%; no homozygotes.

Submission:

Labcorp Genetics (formerly Invitae), Labcorp
Classification: Uncertain significance. Last evaluated: 2025-12-10. Review status: criteria provided, single submitter. Criteria: Invitae Variant Classification Sherloc (09022015). Collection method: clinical testing. Allele origin: germline.
Comment: This sequence change replaces proline, which is neutral and non-polar, with histidine, which is basic and polar, at codon 218 of the WFS1 protein (p.Pro218His). The frequency data for this variant in the population databases is considered unreliable, as metrics indicate poor data quality at this position in the gnomAD database. This variant has not been reported in the literature in individuals affected with WFS1-related conditions. Invitae Evidence Modeling of protein sequence and biophysical properties (such as structural, functional, and spatial information, amino acid conservation, physicochemical variation, residue mobility, and thermodynamic stability) indicates that this missense variant is not expected to disrupt WFS1 protein function with a negative predictive value of 80%. In summary, the available evidence is currently insufficient to determine the role of this variant in disease. Therefore, it has been classified as a Variant of Uncertain Significance.

NM_006005.3(WFS1):c.653C>A (p.Pro218His)

Gene: WFS1 (wolframin ER transmembrane glycoprotein; plus strand). Cytogenetic location: 4p16.1.
Variant type: single nucleotide variant.
Coding change: c.653C>A on transcript NM_006005.3 (MANE Select); coding-DNA position 653, C replaced by A.
Protein change: p.Pro218His; replaces proline 218 with histidine.
Molecular consequence: missense variant.
Genome position (GRCh38, 1-based): chr4:6,291,938, C>A. VCF-style: chr4-6291938-C-A. GRCh37 (hg19) VCF-style: chr4-6293665-C-A.
Other names: c.653C>A, p.Pro218His (NM_001145853.1); short protein forms P218H.
Identifiers: ClinVar variation 4769374 (VCV004769374.1).